The following is an entry in ClinVar:

NM_032383.5(HPS3):c.755delinsACTGTCTCTTATACA (p.Val252fs)

Gene: HPS3 (HPS3 biogenesis of lysosomal organelles complex 2 subunit 1; plus strand). Cytogenetic location: 3q24.
Variant type: Indel.
Coding change: c.755delinsACTGTCTCTTATACA on transcript NM_032383.5 (MANE Select); coding-DNA position 755, T replaced by ACTGTCTCTTATACA.
Protein change: p.Val252fs; shifts the reading frame from valine 252.
Molecular consequence: frameshift variant.
Genome position (GRCh38, 1-based): chr3:149,141,059, T replaced by ACTGTCTCTTATACA. VCF-style: chr3-149141059-T-ACTGTCTCTTATACA. GRCh37 (hg19) VCF-style: chr3-148858846-T-ACTGTCTCTTATACA.
Other names: c.260delinsACTGTCTCTTATACA, p.Val87fs (NM_001308258.2); short protein forms V252fs, V87fs.
Identifiers: ClinVar variation 5011114 (VCV005011114.1).

ClinVar aggregate classification (germline): Pathogenic (1 of 4 stars; one submission).

Conditions:
Hermansky-Pudlak syndrome 3 (HPS3). Identifiers: Orphanet 231512, Orphanet 79430, MedGen C3888001, MONDO:0013555, OMIM 614072.

Submission:

Myriad Genetics, Inc.
Classification: Pathogenic for Hermansky-Pudlak syndrome 3. Last evaluated: 2024-05-14. Review status: criteria provided, single submitter. Criteria: Myriad Autosomal Dominant, Autosomal Recessive and X-Linked Classification Criteria (2023). Collection method: clinical testing. Allele origin: unknown.
Comment: NM_032383.3(HPS3):c.755del1ins15(V252Dfs*33) is expected to be pathogenic in the context of Hermansky-Pudlak syndrome, HPS3-related. This variant is predicted to lead to an abnormal or absent protein product due to the creation of a premature termination codon in HPS3, a gene where loss-of-function variants are known to be pathogenic. Please note: this variant was assessed in the context of healthy population screening.